The following is an entry in ClinVar:

ClinVar aggregate classification (germline): Uncertain significance. Review status: criteria provided, multiple submitters, no conflicts (2 of 4 stars). 4 submissions from 4 submitters: Uncertain significance (3). 1 of the submissions does not count toward it. Last evaluated 2025-08-13.

Conditions:
SDCCAG8-related disorder. Also called: SDCCAG8-Related Disorders; SDCCAG8-related condition.
Inborn genetic diseases. Identifiers: MedGen C0950123, MeSH D030342.
Senior-Loken syndrome 7 (SLSN7). Identifiers: Orphanet 3156, MedGen C3150877, MONDO:0013326, OMIM 613615.
Bardet-Biedl syndrome 16 (BBS16). Identifiers: Orphanet 110, MedGen C3889474, MONDO:0014444, OMIM 615993.

Allele frequency attached by ClinVar (database versions not stated): gnomAD exomes 0.00001 and 0.00003; TOPMed 0.00001; gnomAD 0.00001.
gnomAD v4.1: 42 of 1,613,280 alleles (0.0026%); highest among the groups gnomAD compares: Non-Finnish European, 0.0035%; no homozygotes.

Submissions (4):

Ambry Genetics
Classification: Uncertain significance for Inborn genetic diseases. Last evaluated: 2025-08-13. Review status: criteria provided, single submitter. Criteria: Ambry Variant Classification Scheme 2023. Collection method: clinical testing. Allele origin: germline.

Labcorp Genetics (formerly Invitae), Labcorp
Classification: Uncertain significance for Bardet-Biedl syndrome 16; Senior-Loken syndrome 7. Last evaluated: 2024-06-17. Review status: criteria provided, single submitter. Criteria: Invitae Variant Classification Sherloc (09022015). Collection method: clinical testing. Allele origin: germline.
Comment: This sequence change replaces glutamine, which is neutral and polar, with glutamic acid, which is acidic and polar, at codon 676 of the SDCCAG8 protein (p.Gln676Glu). This variant is present in population databases (no rsID available, gnomAD 0.002%). This variant has not been reported in the literature in individuals affected with SDCCAG8-related conditions. ClinVar contains an entry for this variant (Variation ID: 1015409). An algorithm developed to predict the effect of missense changes on protein structure and function (PolyPhen-2) suggests that this variant is likely to be disruptive. In summary, the available evidence is currently insufficient to determine the role of this variant in disease. Therefore, it has been classified as a Variant of Uncertain Significance.

Blueprint Genetics
Classification: Uncertain significance. Last evaluated: 2021-07-26. Review status: criteria provided, single submitter. Criteria: ACMG Guidelines, 2015. Collection method: clinical testing. Allele origin: germline.

PreventionGenetics, part of Exact Sciences
Classification: Uncertain significance for SDCCAG8-related condition. Last evaluated: 2024-05-27. Review status: no assertion criteria provided. Collection method: clinical testing. Allele origin: germline. Not counted in ClinVar's aggregate classification.
Comment: The SDCCAG8 c.2026C>G variant is predicted to result in the amino acid substitution p.Gln676Glu. To our knowledge, this variant has not been reported in the literature. This variant is reported in 0.0027% of alleles in individuals of European (Non-Finnish) descent in gnomAD. At this time, the clinical significance of this variant is uncertain due to the absence of conclusive functional and genetic evidence.

NM_006642.5(SDCCAG8):c.2026C>G (p.Gln676Glu)

Genes: AKT3 (AKT serine/threonine kinase 3; minus strand), SDCCAG8 (SHH signaling and ciliogenesis regulator SDCCAG8; plus strand). Cytogenetic location: 1q43.
Variant type: single nucleotide variant.
Coding change: c.2026C>G on transcript NM_006642.5 (MANE Select); coding-DNA position 2026, C replaced by G.
Protein change: p.Gln676Glu; replaces glutamine 676 with glutamic acid.
Molecular consequence: missense variant. On other transcripts: intron variant (1).
Genome position (GRCh38, 1-based): chr1:243,489,054, C>G. VCF-style: chr1-243489054-C-G. GRCh37 (hg19) VCF-style: chr1-243652356-C-G.
Other names: c.1123C>G, p.Gln375Glu (NM_001350246.2, NM_001350247.2, NM_001350251.2); c.2122C>G, p.Gln708Glu (NM_001350248.2); c.1732C>G, p.Gln578Glu (NM_001350249.2); c.*7-604G>C (NM_181690.2); short protein forms Q375E, Q578E, Q676E, Q708E.
Identifiers: ClinVar variation 1015409 (VCV001015409.12), dbSNP rs1242245359, ClinGen allele CA345668040.